The following is an entry in ClinVar:

ClinVar aggregate classification (germline): Uncertain significance (1 of 4 stars; one submission).

Conditions:
Hereditary cancer-predisposing syndrome. Also called: Neoplastic Syndromes, Hereditary; Tumor predisposition; Hereditary Cancer Syndrome; Hereditary neoplastic syndrome. Identifiers: Orphanet 140162, MedGen C0027672, MeSH D009386, MONDO:0015356.

Submission:

Ambry Genetics
Classification: Uncertain significance for Hereditary cancer-predisposing syndrome. Last evaluated: 2020-10-20. Review status: criteria provided, single submitter. Criteria: Ambry Variant Classification Scheme 2023. Collection method: clinical testing. Allele origin: germline.
Comment: The p.E277G variant (also known as c.830A>G), located in coding exon 4 of the MSH6 gene, results from an A to G substitution at nucleotide position 830. The glutamic acid at codon 277 is replaced by glycine, an amino acid with similar properties. This amino acid position is well conserved in available vertebrate species. In addition, this alteration is predicted to be tolerated by in silico analysis. Since supporting evidence is limited at this time, the clinical significance of this alteration remains unclear.

NM_000179.3(MSH6):c.830A>G (p.Glu277Gly)

Gene: MSH6 (mutS homolog 6; plus strand). Cytogenetic location: 2p16.3.
Variant type: single nucleotide variant.
Coding change: c.830A>G on transcript NM_000179.3 (MANE Select); coding-DNA position 830, A replaced by G.
Protein change: p.Glu277Gly; replaces glutamic acid 277 with glycine.
Molecular consequence: missense variant. On other transcripts: 5 prime UTR variant (2).
Genome position (GRCh38, 1-based): chr2:47,798,813, A>G. VCF-style: chr2-47798813-A-G. GRCh37 (hg19) VCF-style: chr2-48025952-A-G.
Other names: c.440A>G, p.Glu147Gly (NM_001281492.2); c.-77A>G (NM_001281493.2, NM_001281494.2); short protein forms E277G, E147G.
Identifiers: ClinVar variation 231407 (VCV000231407.5), dbSNP rs876659140, ClinGen allele CA10578045.